The following is an entry in ClinVar:

NM_001136472.2(LITAF):c.*1251A>G

Gene: LITAF (lipopolysaccharide induced TNF factor; minus strand). Cytogenetic location: 16p13.13.
Variant type: single nucleotide variant.
Coding change: c.*1251A>G on transcript NM_001136472.2 (MANE Select); 1251 bases downstream of the stop codon, A replaced by G.
Molecular consequence: 3 prime UTR variant. On other transcripts: non-coding transcript variant (1).
Genome position (GRCh38, 1-based): chr16:11,548,386, T>C on the plus strand (A>G on the coding strand, the complement: LITAF is on the minus strand). VCF-style: chr16-11548386-T-C. GRCh37 (hg19) VCF-style: chr16-11642242-T-C.
Other names: c.*1376A>G (NM_001136473.1); c.*1251A>G (NM_004862.4).
Identifiers: ClinVar variation 317757 (VCV000317757.6), dbSNP rs7102, ClinGen allele CA7903903.

ClinVar aggregate classification (germline): Benign. Review status: criteria provided, multiple submitters, no conflicts (2 of 4 stars). 2 submissions from 2 submitters: Benign (2). Last evaluated 2018-01-12.

Conditions:
Charcot-Marie-Tooth disease type 1C. Also called: CHARCOT-MARIE-TOOTH DISEASE, DEMYELINATING, TYPE 1C; CMT, SLOW NERVE CONDUCTION TYPE C; HMSN IC; Charcot-Marie-Tooth disease, type IC; CHARCOT-MARIE-TOOTH NEUROPATHY, TYPE 1C; NEUROPATHY, HEREDITARY MOTOR AND SENSORY, TYPE IC. Identifiers: Orphanet 101083, MedGen C0270913, MONDO:0010995, OMIM 601098.

Allele frequency attached by ClinVar (database versions not stated): gnomAD exomes 0.38093 and 0.38773; 1000 Genomes Project 30x 0.40178; gnomAD 0.37319 and 0.36899; TOPMed 0.37538; ExAC 0.40487; 1000 Genomes Project 0.41054.
gnomAD v4.1: 171,361 of 453,582 alleles (38%); highest among the groups gnomAD compares: East Asian, 53%; 32,870 homozygotes.

Submissions (2):

Illumina Laboratory Services, Illumina
Classification: Benign for Charcot-Marie-Tooth disease type 1C. Last evaluated: 2018-01-12. Review status: criteria provided, single submitter. Criteria: ICSL Variant Classification Criteria 13 December 2019. Collection method: clinical testing. Allele origin: germline.
Comment: This variant was observed in the ICSL laboratory as part of a predisposition screen in an ostensibly healthy population. It had not been previously curated by ICSL or reported in the Human Gene Mutation Database (HGMD: prior to June 1st, 2018), and was therefore a candidate for classification through an automated scoring system. Utilizing variant allele frequency, disease prevalence and penetrance estimates, and inheritance mode, an automated score was calculated to assess if this variant is too frequent to cause the disease. Based on the score and internal cut-off values, a variant classified as benign is not then subjected to further curation. The score for this variant resulted in a classification of benign for this disease.

Breakthrough Genomics
Classification: Benign. Review status: criteria provided, single submitter. Criteria: ACMG Guidelines, 2015. Collection method: not provided. Allele origin: germline. Inheritance: Autosomal dominant inheritance. Affected: yes.